The following is an entry in ClinVar:

NM_152564.5(VPS13B):c.2878T>G (p.Leu960Val)

Gene: VPS13B (vacuolar protein sorting 13 homolog B; plus strand). Cytogenetic location: 8q22.2.
Variant type: single nucleotide variant.
Coding change: c.2878T>G on transcript NM_152564.5 (MANE Select); coding-DNA position 2878, T replaced by G.
Protein change: p.Leu960Val; replaces leucine 960 with valine.
Molecular consequence: missense variant.
Genome position (GRCh38, 1-based): chr8:99,384,261, T>G. VCF-style: chr8-99384261-T-G. GRCh37 (hg19) VCF-style: chr8-100396489-T-G.
Other names: c.2878T>G, p.Leu960Val (NM_017890.5); short protein forms L960V.
Identifiers: ClinVar variation 3332170 (VCV003332170.2).
Genomic context (GRCh38, chr8:99,384,261, plus strand): 5'-CTTTTAGGTGCTGTACTTCTTTGCAGTATACAAGGACTAGCAGTTAATATTGACCCAATC[T>G]TATATACGTGGCTCATCTATCAGCCTCAGAAACGAACAAGTAGACATATGCAACAGGTAA-3'
Protein context (NP_689777.3, residues 950-970): QGLAVNIDPI[Leu960Val]YTWLIYQPQK

ClinVar aggregate classification (germline): Uncertain significance. Review status: criteria provided, multiple submitters, no conflicts (2 of 4 stars). 2 submissions from 2 submitters: Uncertain significance (2). Last evaluated 2026-01-20.

Conditions:
Inborn genetic diseases. Identifiers: MedGen C0950123, MeSH D030342.
VPS13B-related disorder. Also called: VPS13B-related condition.

gnomAD v4.1: 35 of 1,613,912 alleles (0.0022%); highest among the groups gnomAD compares: Non-Finnish European, 0.0028%; no homozygotes.

Submissions (2):

PreventionGenetics, part of Exact Sciences
Classification: Uncertain significance for VPS13B-related condition. Last evaluated: 2026-01-20. Review status: criteria provided, single submitter. Criteria: ACMG Guidelines, 2015. Collection method: clinical testing. Allele origin: germline.
Comment: The VPS13B c.2878T>G variant is predicted to result in the amino acid substitution p.Leu960Val. To our knowledge, this variant has not been reported in the literature. This variant is reported in 0.0062% of alleles in individuals of African descent in gnomAD. At this time, the clinical significance of this variant is uncertain due to the absence of conclusive functional and genetic evidence.

Ambry Genetics
Classification: Uncertain significance for Inborn genetic diseases. Last evaluated: 2024-03-30. Review status: criteria provided, single submitter. Criteria: Ambry Variant Classification Scheme 2023. Collection method: clinical testing. Allele origin: germline.